The following is an entry in ClinVar:

ClinVar aggregate classification (germline): Benign/Likely benign. Review status: criteria provided, multiple submitters, no conflicts (2 of 4 stars). 4 submissions from 4 submitters: Benign (2); Likely benign (1). 1 of the submissions does not count toward it. Last evaluated 2026-01-19.

Conditions:
PRDM16-related disorder. Also called: PRDM16-related condition.
Left ventricular noncompaction 8 (LVNC8). Identifiers: Orphanet 154, Orphanet 54260, MedGen C3809288, MONDO:0014152, OMIM 615373.

Allele frequency attached by ClinVar (database versions not stated): gnomAD 0.00084 and 0.00081; TOPMed 0.00090; ESP Exome Variant Server 0.00103; 1000 Genomes Project 30x 0.00109; gnomAD exomes 0.00020 and 0.00006; ExAC 0.00021; 1000 Genomes Project 0.00060.
gnomAD v4.1: 222 of 1,613,870 alleles (0.014%); highest among the groups gnomAD compares: African/African-American, 0.27%; 1 homozygote.

Submissions (4):

Labcorp Genetics (formerly Invitae), Labcorp
Classification: Benign for Left ventricular noncompaction 8. Last evaluated: 2026-01-19. Review status: criteria provided, single submitter. Criteria: Invitae Variant Classification Sherloc (09022015). Collection method: clinical testing. Allele origin: germline.

GeneDx
Classification: Likely benign. Last evaluated: 2020-09-24. Review status: criteria provided, single submitter. Criteria: GeneDx Variant Classification Process June 2021. Collection method: clinical testing. Allele origin: germline. Affected: yes.

Laboratory for Molecular Medicine, Mass General Brigham Personalized Medicine
Classification: Benign. Last evaluated: 2014-11-24. Review status: criteria provided, single submitter. Criteria: LMM Criteria. Collection method: clinical testing. Allele origin: germline. Observed: 1 variant allele.
Comment: Cys143Cys in exon 3 of PRDM16: This variant is not expected to have clinical sig nificance because it does not alter an amino acid residue and is not located wit hin the splice consensus sequence. It has been identified in 0.3% (13/4172) of A frican American chromosomes from a broad population by the NHLBI Exome Sequencin g Project (dbSNP rs150097149).

PreventionGenetics, part of Exact Sciences
Classification: Likely benign for PRDM16-related condition. Last evaluated: 2022-01-04. Review status: no assertion criteria provided. Collection method: clinical testing. Allele origin: germline. Not counted in ClinVar's aggregate classification.
Comment: This variant is classified as likely benign based on ACMG/AMP sequence variant interpretation guidelines (Richards et al. 2015 PMID: 25741868, with internal and published modifications).

NM_022114.4(PRDM16):c.429C>T (p.Cys143=)

Gene: PRDM16 (PR/SET domain 16; plus strand). Cytogenetic location: 1p36.32.
Variant type: single nucleotide variant.
Coding change: c.429C>T on transcript NM_022114.4 (MANE Select); coding-DNA position 429, C replaced by T.
Protein change: p.Cys143=; no amino-acid change (cysteine 143 retained).
Molecular consequence: synonymous variant.
Genome position (GRCh38, 1-based): chr1:3,244,128, C>T. VCF-style: chr1-3244128-C-T. GRCh37 (hg19) VCF-style: chr1-3160692-C-T.
Other names: c.429C>T, p.Cys143= (NM_199454.3).
Identifiers: ClinVar variation 227040 (VCV000227040.19), dbSNP rs150097149, ClinGen allele CA543788.